The following is an entry in ClinVar:

NM_006017.3(PROM1):c.132A>T (p.Gln44His)

Gene: PROM1 (prominin 1; minus strand). Cytogenetic location: 4p15.32.
Variant type: single nucleotide variant.
Coding change: c.132A>T on transcript NM_006017.3 (MANE Select); coding-DNA position 132, A replaced by T.
Protein change: p.Gln44His; replaces glutamine 44 with histidine.
Molecular consequence: missense variant.
Genome position (GRCh38, 1-based): chr4:16,075,775, T>A on the plus strand (A>T on the coding strand, the complement: PROM1 is on the minus strand). VCF-style: chr4-16075775-T-A. GRCh37 (hg19) VCF-style: chr4-16077398-T-A.
Other names: c.132A>T, p.Gln44His (NM_001145847.2, NM_001145848.2, NM_001145849.2 and 6 more transcripts); short protein forms Q44H.
Identifiers: ClinVar variation 837458 (VCV000837458.9), dbSNP rs1743832907, ClinGen allele CA356437928.

ClinVar aggregate classification (germline): Uncertain significance (1 of 4 stars; one submission).

Allele frequency attached by ClinVar (database versions not stated): gnomAD 0.00001; TOPMed 0.00006.
gnomAD v4.1: 5 of 1,613,718 alleles (0.00031%); highest among the groups gnomAD compares: Admixed American, 0.005%; no homozygotes.

Submission:

Labcorp Genetics (formerly Invitae), Labcorp
Classification: Uncertain significance. Last evaluated: 2023-05-22. Review status: criteria provided, single submitter. Criteria: Invitae Variant Classification Sherloc (09022015). Collection method: clinical testing. Allele origin: germline.
Comment: This sequence change replaces glutamine, which is neutral and polar, with histidine, which is basic and polar, at codon 44 of the PROM1 protein (p.Gln44His). This variant is not present in population databases (gnomAD no frequency). This variant has not been reported in the literature in individuals affected with PROM1-related conditions. ClinVar contains an entry for this variant (Variation ID: 837458). Advanced modeling of protein sequence and biophysical properties (such as structural, functional, and spatial information, amino acid conservation, physicochemical variation, residue mobility, and thermodynamic stability) performed at Invitae indicates that this missense variant is not expected to disrupt PROM1 protein function. In summary, the available evidence is currently insufficient to determine the role of this variant in disease. Therefore, it has been classified as a Variant of Uncertain Significance.